The following is an entry in ClinVar:

ClinVar aggregate classification (germline): Uncertain significance (1 of 4 stars; one submission).

gnomAD v4.1: 4 of 1,550,552 alleles (0.00026%); highest among the groups gnomAD compares: Non-Finnish European, 0.00035%; no homozygotes.

Submission:

Mayo Clinic Laboratories, Mayo Clinic
Classification: Uncertain significance. Last evaluated: 2025-03-31. Review status: criteria provided, single submitter. Criteria: ACMG Guidelines, 2015. Collection method: clinical testing. Allele origin: germline. Observed: 1 variant allele.
Comment: BP4_moderate

NM_001367624.2(ZNF469):c.11453A>C (p.Lys3818Thr)

Gene: ZNF469 (zinc finger protein 469; plus strand). Cytogenetic location: 16q24.2.
Variant type: single nucleotide variant.
Coding change: c.11453A>C on transcript NM_001367624.2 (MANE Select); coding-DNA position 11453, A replaced by C.
Protein change: p.Lys3818Thr; replaces lysine 3818 with threonine.
Molecular consequence: missense variant.
Genome position (GRCh38, 1-based): chr16:88,438,923, A>C. VCF-style: chr16-88438923-A-C. GRCh37 (hg19) VCF-style: chr16-88505331-A-C.
Other names: p.Lys3818Thr; short protein forms K3818T.
Identifiers: ClinVar variation 4542079 (VCV004542079.1).
Genomic context (GRCh38, chr16:88,438,923, plus strand): 5'-AGCAGGGGCCCCACGGGAGCCTAGGTCCCAAGGAGAAGGGAGAGAGCAGTACGAAGAGGA[A>C]AAAGGGCCAGGTCCCAGGGCCAGCCAGGAGTGAAAGTGTGGGGAGCTTCGGGAGAGCCCC-3'
Protein context (NP_001354553.1, residues 3808-3828): KEKGESSTKR[Lys3818Thr]KGQVPGPARS